The following is an entry in ClinVar:

ClinVar aggregate classification (germline): Pathogenic (1 of 4 stars; one submission).

Submission:

Labcorp Genetics (formerly Invitae), Labcorp
Classification: Pathogenic. Last evaluated: 2024-02-23. Review status: criteria provided, single submitter. Criteria: Invitae Variant Classification Sherloc (09022015). Collection method: clinical testing. Allele origin: germline.
Comment: This sequence change creates a premature translational stop signal (p.Arg1254Trpfs*40) in the ALPK3 gene. It is expected to result in an absent or disrupted protein product. Loss-of-function variants in ALPK3 are known to be pathogenic (PMID: 21441111, 26846950, 27106955, 34263907). This variant is not present in population databases (gnomAD no frequency). This variant has not been reported in the literature in individuals affected with ALPK3-related conditions. For these reasons, this variant has been classified as Pathogenic.

Literature cited by the submitters: PubMed 21441111; PubMed 26846950; PubMed 27106955; PubMed 34263907.

NM_020778.5(ALPK3):c.3150_3153dup (p.Arg1052fs)

Gene: ALPK3 (alpha kinase 3; plus strand). Cytogenetic location: 15q25.3.
Variant type: Duplication.
Coding change: c.3150_3153dup on transcript NM_020778.5 (MANE Select); coding-DNA positions 3150 to 3153, 4 bases duplicated (TGGC; older notation c.3150_3153dupTGGC).
Protein change: p.Arg1052fs; shifts the reading frame from arginine 1052.
Molecular consequence: frameshift variant.
Genome position (GRCh38, 1-based): chr15:84,857,888-84,857,891, TGGC duplicated; duplicating any 4 consecutive bases within chr15:84,857,885-84,857,891 gives the same sequence; the c. name uses the placement nearest the transcript's 3' end. VCF-style (leftmost placement, unchanged base first): chr15-84857884-A-AGGCT. GRCh37 (hg19) VCF-style: chr15-85401115-A-AGGCT.
Other names: short protein forms R1052fs.
Identifiers: ClinVar variation 2872745 (VCV002872745.3), dbSNP rs2505721388, ClinGen allele CA2739269625.